The following is an entry in ClinVar:

ClinVar aggregate classification (germline): Uncertain significance. Review status: criteria provided, multiple submitters, no conflicts (2 of 4 stars). 4 submissions from 4 submitters: Uncertain significance (4). Last evaluated 2026-01-28.

Conditions:
Dilated cardiomyopathy 1II (CMD1II). Identifiers: Orphanet 154, MedGen C3554649, MONDO:0014073, OMIM 615184.
Myofibrillar myopathy 2. Also called: MYOPATHY, MYOFIBRILLAR, 2A, ADULT-ONSET; MYOPATHY, MYOFIBRILLAR, WITH OR WITHOUT CATARACT AND/OR CARDIOMYOPATHY; MYOPATHY, DESMIN-RELATED, ASSOCIATED WITH MUTATION IN THE CRYAB GENE; MYOPATHY, MYOFIBRILLAR, ALPHA-B CRYSTALLIN-RELATED. Identifiers: Orphanet 280553, Orphanet 399058, MedGen C1837317, MONDO:0012130.
Fatal infantile hypertonic myofibrillar myopathy (MFM2B). Also called: MYOPATHY, MYOFIBRILLAR, 2B, INFANTILE-ONSET; MFM, FATAL INFANTILE HYPERTONIC, ALPHA-B CRYSTALLIN-RELATED. Identifiers: Orphanet 280553, MedGen C5190691, MONDO:0013472, OMIM 613869.
Cataract 16 multiple types. Also called: CATARACT, CONGENITAL LAMELLAR; CATARACT 16, POSTERIOR POLAR; CATARACT 16, CONGENITAL LAMELLAR. Identifiers: Orphanet 91492, Orphanet 98992, Orphanet 98993, Orphanet 98995, MedGen C3808377, MONDO:0013411, OMIM 613763.
Cardiovascular phenotype. Identifiers: MedGen CN230736.

Allele frequency attached by ClinVar (database versions not stated): TOPMed 0.00001.
gnomAD v4.1: 9 of 1,597,162 alleles (0.00056%); highest among the groups gnomAD compares: Non-Finnish European, 0.00077%; no homozygotes.

Submissions (4):

Labcorp Genetics (formerly Invitae), Labcorp
Classification: Uncertain significance for Dilated cardiomyopathy 1II. Last evaluated: 2026-01-28. Review status: criteria provided, single submitter. Criteria: Invitae Variant Classification Sherloc (09022015). Collection method: clinical testing. Allele origin: germline.
Comment: This sequence change replaces arginine, which is basic and polar, with glycine, which is neutral and non-polar, at codon 11 of the CRYAB protein (p.Arg11Gly). This variant is not present in population databases (gnomAD no frequency). This variant has not been reported in the literature in individuals affected with CRYAB-related conditions. ClinVar contains an entry for this variant (Variation ID: 964348). An algorithm developed to predict the effect of missense changes on protein structure and function (PolyPhen-2) suggests that this variant is likely to be disruptive. Experimental studies have shown that this missense change affects CRYAB function (PMID: 40086543). This variant disrupts the p.Arg11 amino acid residue in CRYAB. Other variant(s) that disrupt this residue have been observed in individuals with CRYAB-related conditions (PMID: 19597569, 26402864), which suggests that this may be a clinically significant amino acid residue. In summary, the available evidence is currently insufficient to determine the role of this variant in disease. Therefore, it has been classified as a Variant of Uncertain Significance.

Ambry Genetics
Classification: Uncertain significance for Cardiovascular phenotype. Last evaluated: 2023-11-23. Review status: criteria provided, single submitter. Criteria: Ambry Variant Classification Scheme 2023. Collection method: clinical testing. Allele origin: germline.
Comment: The p.R11G variant (also known as c.31C>G), located in coding exon 1 of the CRYAB gene, results from a C to G substitution at nucleotide position 31. The arginine at codon 11 is replaced by glycine, an amino acid with dissimilar properties. This amino acid position is conserved. In addition, this alteration is predicted to be deleterious by in silico analysis. Since supporting evidence is limited at this time, the clinical significance of this alteration remains unclear.

AiLife Diagnostics
Classification: Uncertain significance. Last evaluated: 2021-09-09. Review status: criteria provided, single submitter. Criteria: ACMG Guidelines, 2015. Collection method: clinical testing. Allele origin: germline. Affected: yes. Observed: 1 variant allele.

Fulgent Genetics
Classification: Uncertain significance for Cataract 16 multiple types; Fatal infantile hypertonic myofibrillar myopathy; Dilated cardiomyopathy 1II. Last evaluated: 2021-07-31. Review status: criteria provided, single submitter. Criteria: ACMG Guidelines, 2015. Collection method: clinical testing. Allele origin: unknown.

Literature cited by the submitters: PubMed 40086543 (cited by Labcorp Genetics (formerly Invitae), Labcorp); PubMed 19597569 (cited by Labcorp Genetics (formerly Invitae), Labcorp); PubMed 26402864 (cited by Labcorp Genetics (formerly Invitae), Labcorp).

NM_001289808.2(CRYAB):c.31C>G (p.Arg11Gly)

Gene: CRYAB (crystallin alpha B; minus strand). Cytogenetic location: 11q23.1.
Variant type: single nucleotide variant.
Coding change: c.31C>G on transcript NM_001289808.2 (MANE Select); coding-DNA position 31, C replaced by G.
Protein change: p.Arg11Gly; replaces arginine 11 with glycine.
Molecular consequence: missense variant.
Genome position (GRCh38, 1-based): chr11:111,911,694, G>C on the plus strand (C>G on the coding strand, the complement: CRYAB is on the minus strand). VCF-style: chr11-111911694-G-C. GRCh37 (hg19) VCF-style: chr11-111782418-G-C.
Other names: c.31C>G, p.Arg11Gly (NM_001289807.1, NM_001368245.1, NM_001885.3); c.31C>G (NM_001885.1); short protein forms R11G.
Identifiers: ClinVar variation 964348 (VCV000964348.13), dbSNP rs781902168, ClinGen allele CA382601088.